The following is an entry in ClinVar:

ClinVar aggregate classification (germline): Uncertain significance (1 of 4 stars; one submission).

gnomAD v4.1: 14 of 1,613,828 alleles (0.00087%); highest among the groups gnomAD compares: Non-Finnish European, 0.0012%; no homozygotes.

Submission:

Labcorp Genetics (formerly Invitae), Labcorp
Classification: Uncertain significance. Last evaluated: 2025-03-16. Review status: criteria provided, single submitter. Criteria: Invitae Variant Classification Sherloc (09022015). Collection method: clinical testing. Allele origin: germline.
Comment: This sequence change replaces aspartic acid, which is acidic and polar, with glycine, which is neutral and non-polar, at codon 537 of the INTU protein (p.Asp537Gly). This variant is present in population databases (rs747261019, gnomAD 0.002%). This variant has not been reported in the literature in individuals affected with INTU-related conditions. Invitae Evidence Modeling of protein sequence and biophysical properties (such as structural, functional, and spatial information, amino acid conservation, physicochemical variation, residue mobility, and thermodynamic stability) indicates that this missense variant is expected to disrupt INTU protein function with a positive predictive value of 80%. In summary, the available evidence is currently insufficient to determine the role of this variant in disease. Therefore, it has been classified as a Variant of Uncertain Significance.

NM_015693.4(INTU):c.1610A>G (p.Asp537Gly)

Gene: INTU (inturned planar cell polarity protein; plus strand). Cytogenetic location: 4q28.1.
Variant type: single nucleotide variant.
Coding change: c.1610A>G on transcript NM_015693.4 (MANE Select); coding-DNA position 1610, A replaced by G.
Protein change: p.Asp537Gly; replaces aspartic acid 537 with glycine.
Molecular consequence: missense variant.
Genome position (GRCh38, 1-based): chr4:127,705,634, A>G. VCF-style: chr4-127705634-A-G. GRCh37 (hg19) VCF-style: chr4-128626789-A-G.
Other names: short protein forms D537G.
Identifiers: ClinVar variation 4750596 (VCV004750596.1).